The following is an entry in ClinVar:

ClinVar aggregate classification (germline): Conflicting classifications of pathogenicity. Review status: criteria provided, conflicting classifications (1 of 4 stars). 19 submissions from 18 submitters: Uncertain significance (6); Benign (1); Likely benign (5). 7 of the submissions do not count toward it. Last evaluated 2026-06-01.

Conditions:
LRP5-related disorder. Also called: LRP5-related condition.
Exudative vitreoretinopathy 1 (EVR1). Also called: FEVR, AUTOSOMAL DOMINANT; Familial exudative vitreoretinopathy, autosomal dominant; CRISWICK-SCHEPENS SYNDROME. Identifiers: Orphanet 891, Orphanet 90050, MedGen C1851402, MONDO:0007589, OMIM 133780.
Bone mineral density quantitative trait locus 1 (BMND1). Identifiers: MedGen C1866079, OMIM 601884.
Autosomal dominant osteopetrosis 1 (OPTA1). Also called: OSTEOPETROSIS, AUTOSOMAL DOMINANT, TYPE I. Identifiers: Orphanet 2783, MedGen C1843330, MONDO:0011877, OMIM 607634.
Van Buchem disease type 2. Also called: Osteosclerosis of the skull and enlarged mandible. Identifiers: Orphanet 3416, MedGen C1843323, MeSH C536527.
Exudative vitreoretinopathy 4 (EVR4). Identifiers: Orphanet 891, MedGen C1866176, MONDO:0011151, OMIM 601813.
Worth disease. Also called: ENDOSTEAL HYPEROSTOSIS, AUTOSOMAL DOMINANT; OSTEOSCLEROSIS, AUTOSOMAL DOMINANT; Autosomal dominant osteosclerosis, Worth type. Identifiers: Orphanet 2790, MedGen C0432273, MONDO:0007764, OMIM 144750.
Polycystic liver disease 4 with or without kidney cysts. Identifiers: MedGen C4693479, MONDO:0044327, OMIM 617875.
Postmenopausal osteoporosis. Also called: BONE MINERAL DENSITY QUANTITATIVE TRAIT LOCUS; OSTEOPOROSIS, INVOLUTIONAL. Identifiers: MedGen C0029458, MONDO:0008159.
Osteoporosis with pseudoglioma (OPPG). Also called: osteoporosis-pseudoglioma syndrome. Identifiers: Orphanet 2788, MedGen C0432252, MONDO:0009820, OMIM 259770.
Autosomal dominant polycystic kidney disease. Identifiers: Orphanet 730, MedGen C0085413, MONDO:0004691.
Osteogenesis imperfecta (OI). Identifiers: Orphanet 666, MedGen C0029434, MeSH D010013, MONDO:0019019.
Polycystic kidney disease, adult type (PKD1). Also called: POLYCYSTIC KIDNEY DISEASE, ADULT, TYPE I; Polycystic Kidney, Autosomal Dominant; POLYCYSTIC KIDNEY DISEASE 1 WITH OR WITHOUT POLYCYSTIC LIVER DISEASE; Polycystic Kidney Disease 1, Autosomal Dominant; Polycystic kidney disease 1; Polycystic kidney disease 1, severe. Identifiers: MedGen C3149841, MONDO:0008263, OMIM 173900.

Allele frequency attached by ClinVar (database versions not stated): 1000 Genomes Project 0.00060; 1000 Genomes Project 30x 0.00078; gnomAD 0.00207; gnomAD exomes 0.00249; TOPMed 0.00323; ESP Exome Variant Server 0.00408.
gnomAD v4.1: 7,051 of 1,614,172 alleles (0.44%); highest among the groups gnomAD compares: Middle Eastern, 0.66%; 22 homozygotes.

Submissions (19):

CeGaT Center for Human Genetics Tuebingen
Classification: Likely benign. Last evaluated: 2026-06-01. Review status: criteria provided, single submitter. Criteria: CeGaT Center For Human Genetics Tuebingen Variant Classification Criteria Version 2. Collection method: clinical testing. Allele origin: germline. Affected: yes. Observed: 16 variant alleles.
Comment: LRP5: BP4, BS2

Labcorp Genetics (formerly Invitae), Labcorp
Classification: Benign. Last evaluated: 2026-01-29. Review status: criteria provided, single submitter. Criteria: Invitae Variant Classification Sherloc (09022015). Collection method: clinical testing. Allele origin: germline.

Blueprint Genetics
Classification: Likely benign. Last evaluated: 2024-11-27. Review status: criteria provided, single submitter. Criteria: ACMG Guidelines, 2015. Collection method: clinical testing. Allele origin: germline.

ARUP Laboratories, Molecular Genetics and Genomics, ARUP Laboratories
Classification: Uncertain significance. Last evaluated: 2023-03-01. Review status: criteria provided, single submitter. Criteria: ARUP Molecular Germline Variant Investigation Process 2024. Collection method: clinical testing. Allele origin: germline.
Comment: The LRP5 c.3107G>A; p.Arg1036Gln variant (rs61889560) is reported in the literature in individuals affected with osteoporosis (Caetano da Silva 2021, Hartikka 2005, Sturznickel 2021) or polycystic kidney disease (Cnossen 2016), but did not segregate with disease in some families. This variant is also reported in ClinVar (Variation ID: 183255), and is found in the general population with an overall allele frequency of 0.24% (692/282864 alleles) in the Genome Aggregation Database. Computational analyses are uncertain whether this variant is neutral or deleterious (REVEL: 0.683). In vitro functional analyses demonstrate reduced Wnt signaling, but no effect on expression of downstream genes (Cnossen 2016, Korvala 2012). Due to conflicting information, the clinical significance of this variant is uncertain at this time. References: Caetano da Silva C et al. More severe phenotype of early-onset osteoporosis associated with recessive form of LRP5 and combination with DKK1 or WNT3A. Mol Genet Genomic Med. 2021 Jun;9(6):e1681. PMID: 33939331. Cnossen WR et al. LRP5 variants may contribute to ADPKD. Eur J Hum Genet. 2016 Feb;24(2):237-42. PMID: 25920554. Hartikka H et al. Heterozygous mutations in the LDL receptor-related protein 5 (LRP5) gene are associated with primary osteoporosis in children. J Bone Miner Res. 2005 May;20(5):783-9. PMID: 15824851. Korvala J et al. Mutations in LRP5 cause primary osteoporosis without features of OI by reducing Wnt signaling activity. BMC Med Genet. 2012 Apr 10;13:26. PMID: 22487062. Sturznickel J et al. Clinical Phenotype and Relevance of LRP5 and LRP6 Variants in Patients With Early-Onset Osteoporosis (EOOP). J Bone Miner Res. 2021 Feb;36(2):271-282. PMID: 33118644.

Revvity Omics, Revvity
Classification: Uncertain significance. Last evaluated: 2022-09-05. Review status: criteria provided, single submitter. Criteria: ACMG Guidelines, 2015. Collection method: clinical testing. Allele origin: germline.

Genome Diagnostics Laboratory, The Hospital for Sick Children
Classification: Uncertain significance for Osteogenesis imperfecta. Last evaluated: 2022-06-24. Review status: criteria provided, single submitter. Criteria: ACMG Guidelines, 2015. Collection method: clinical testing. Allele origin: germline.

Women's Health and Genetics/Laboratory Corporation of America, LabCorp
Classification: Likely benign. Last evaluated: 2022-03-23. Review status: criteria provided, single submitter. Criteria: LabCorp Variant Classification Summary - May 2015. Collection method: clinical testing. Allele origin: germline.

GeneDx
Classification: Likely benign. Last evaluated: 2021-02-10. Review status: criteria provided, single submitter. Criteria: GeneDx Variant Classification Process June 2021. Collection method: clinical testing. Allele origin: germline. Affected: yes.
Comment: In silico analysis, which includes protein predictors and evolutionary conservation, supports a deleterious effect; This variant is associated with the following publications: (PMID: 25920554, 22487062, 27884173, 16390319, 15824851, 19673927, 28378289, 25390515, 31039433, 30652979, 33118644)

Genetics Department, Polish Mother's Memorial Hospital Research Institute
Classification: Uncertain significance for Autosomal dominant osteopetrosis 1. Last evaluated: 2020-04-06. Review status: criteria provided, single submitter. Criteria: ACMG Guidelines, 2015. Collection method: research. Allele origin: paternal. Affected: yes. Observed: 2 variant alleles.

Dubai Health Genomic Medicine Center, Dubai Health
Classification: Uncertain significance. Last evaluated: 2020-03-25. Review status: criteria provided, single submitter. Criteria: ACMG Guidelines, 2015. Collection method: clinical testing. Allele origin: germline. Affected: yes.

Fulgent Genetics
Classification: Uncertain significance for Exudative vitreoretinopathy 1; Worth disease; Osteoporosis; Osteoporosis with pseudoglioma; Exudative vitreoretinopathy 4; Bone mineral density quantitative trait locus 1; Autosomal dominant osteopetrosis 1; Polycystic liver disease 4 with or without kidney cysts. Last evaluated: 2018-10-31. Review status: criteria provided, single submitter. Criteria: ACMG Guidelines, 2015. Collection method: clinical testing. Allele origin: unknown.

Eurofins Ntd Llc (ga)
Classification: Likely benign. Last evaluated: 2017-11-16. Review status: criteria provided, single submitter. Criteria: EGL Classification Definitions 2015. Collection method: clinical testing. Allele origin: germline. Observed: 6 variant alleles, 5 heterozygotes.

PreventionGenetics, part of Exact Sciences
Classification: Likely benign for LRP5-related condition. Last evaluated: 2024-05-08. Review status: no assertion criteria provided. Collection method: clinical testing. Allele origin: germline. Not counted in ClinVar's aggregate classification.
Comment: This variant is classified as likely benign based on ACMG/AMP sequence variant interpretation guidelines (Richards et al. 2015 PMID: 25741868, with internal and published modifications).

Laboratory of Gastroenterology and Hepatology, Radboud University Medical Center
Classification: Uncertain significance for Autosomal dominant polycystic kidney disease. Last evaluated: 2021-09-01. Review status: no assertion criteria provided. Collection method: research. Allele origin: germline. Affected: yes. Not counted in ClinVar's aggregate classification.

Clinical Genetics DNA and cytogenetics Diagnostics Lab, Erasmus MC, Erasmus Medical Center
Classification: Likely benign. Review status: no assertion criteria provided. Collection method: clinical testing. Allele origin: germline. Affected: yes. Study: VKGL Data-share Consensus. Not counted in ClinVar's aggregate classification.

Clinical Genetics, Academic Medical Center
Classification: Likely benign. Review status: no assertion criteria provided. Collection method: clinical testing. Allele origin: germline. Affected: yes. Study: VKGL Data-share Consensus. Not counted in ClinVar's aggregate classification.

Genome Diagnostics Laboratory, Amsterdam University Medical Center
Classification: Likely benign. Review status: no assertion criteria provided. Collection method: clinical testing. Allele origin: germline. Affected: yes. Study: VKGL Data-share Consensus. Not counted in ClinVar's aggregate classification.

Laboratory of Diagnostic Genome Analysis, Leiden University Medical Center (LUMC)
Classification: Likely benign. Review status: no assertion criteria provided. Collection method: clinical testing. Allele origin: germline. Affected: yes. Study: VKGL Data-share Consensus. Not counted in ClinVar's aggregate classification.

Laboratory of Gastroenterology and Hepatology, Radboud University Medical Center
No classification provided. Condition: Polycystic kidney disease, adult type. Review status: no classification provided. Collection method: not provided. Allele origin: germline. Not counted in ClinVar's aggregate classification.

NM_002335.4(LRP5):c.3107G>A (p.Arg1036Gln)

Gene: LRP5 (LDL receptor related protein 5; plus strand). Cytogenetic location: 11q13.2.
Variant type: single nucleotide variant.
Coding change: c.3107G>A on transcript NM_002335.4 (MANE Select); coding-DNA position 3107, G replaced by A.
Protein change: p.Arg1036Gln; replaces arginine 1036 with glutamine.
Molecular consequence: missense variant.
Genome position (GRCh38, 1-based): chr11:68,423,568, G>A. VCF-style: chr11-68423568-G-A. GRCh37 (hg19) VCF-style: chr11-68191036-G-A.
Other names: c.1364G>A, p.Arg455Gln (NM_001291902.2); short protein forms R1036Q, R455Q.
Identifiers: ClinVar variation 183255 (VCV000183255.80), dbSNP rs61889560, ClinGen allele CA210921.